The following is an entry in ClinVar:

ClinVar aggregate classification (germline): Benign. Review status: criteria provided, multiple submitters, no conflicts (2 of 4 stars). 3 submissions from 3 submitters: Benign (3). Last evaluated 2018-12-18.

Conditions:
Usher syndrome type 3. Also called: Usher Syndrome, Type III. Identifiers: Orphanet 231183, MedGen C1568248, MONDO:0016485.

Allele frequency attached by ClinVar (database versions not stated): gnomAD exomes 0.00985; ExAC 0.01621; gnomAD 0.03676 and 0.03941; TOPMed 0.04177; 1000 Genomes Project 0.04213; 1000 Genomes Project 30x 0.04653.
gnomAD v4.1: 11,077 of 1,588,004 alleles (0.7%); highest among the groups gnomAD compares: African/African-American, 13%; 667 homozygotes.

Submissions (3):

GeneDx
Classification: Benign. Last evaluated: 2018-12-18. Review status: criteria provided, single submitter. Criteria: GeneDx Variant Classification Process June 2021. Collection method: clinical testing. Allele origin: germline. Affected: yes.

Illumina Laboratory Services, Illumina
Classification: Benign for Usher syndrome type 3A. Last evaluated: 2018-01-12. Review status: criteria provided, single submitter. Criteria: ICSL Variant Classification Criteria 13 December 2019. Collection method: clinical testing. Allele origin: germline.
Comment: This variant was observed in the ICSL laboratory as part of a predisposition screen in an ostensibly healthy population. It had not been previously curated by ICSL or reported in the Human Gene Mutation Database (HGMD: prior to June 1st, 2018), and was therefore a candidate for classification through an automated scoring system. Utilizing variant allele frequency, disease prevalence and penetrance estimates, and inheritance mode, an automated score was calculated to assess if this variant is too frequent to cause the disease. Based on the score and internal cut-off values, a variant classified as benign is not then subjected to further curation. The score for this variant resulted in a classification of benign for this disease.

Breakthrough Genomics
Classification: Benign. Review status: criteria provided, single submitter. Criteria: ACMG Guidelines, 2015. Collection method: not provided. Allele origin: germline. Inheritance: Autosomal recessive inheritance. Affected: yes.

NM_174878.3(CLRN1):c.*964C>T

Gene: CLRN1 (clarin 1; minus strand). Cytogenetic location: 3q25.1.
Variant type: single nucleotide variant.
Coding change: c.*964C>T on transcript NM_174878.3 (MANE Select); 964 bases downstream of the stop codon, C replaced by T.
Molecular consequence: 3 prime UTR variant. On other transcripts: non-coding transcript variant (1), intron variant (1).
Genome position (GRCh38, 1-based): chr3:150,926,972, G>A on the plus strand (C>T on the coding strand, the complement: CLRN1 is on the minus strand). VCF-style: chr3-150926972-G-A. GRCh37 (hg19) VCF-style: chr3-150644759-G-A.
Other names: c.*964C>T (NM_001195794.1); c.*1277C>T (NM_001256819.2); c.343-100C>T (NM_052995.2).
Identifiers: ClinVar variation 343800 (VCV000343800.7), dbSNP rs16863066, ClinGen allele CA2665902.